The following is an entry in ClinVar:

ClinVar aggregate classification (germline): Uncertain significance (1 of 4 stars; one submission).

Allele frequency attached by ClinVar (database versions not stated): TOPMed below 0.00001; gnomAD 0.00001; gnomAD exomes 0.00001.
gnomAD v4.1: 12 of 1,598,166 alleles (0.00075%); highest among the groups gnomAD compares: East Asian, 0.0022%; no homozygotes.

Submission:

Labcorp Genetics (formerly Invitae), Labcorp
Classification: Uncertain significance. Last evaluated: 2023-08-30. Review status: criteria provided, single submitter. Criteria: Invitae Variant Classification Sherloc (09022015). Collection method: clinical testing. Allele origin: germline.
Comment: In summary, the available evidence is currently insufficient to determine the role of this variant in disease. Therefore, it has been classified as a Variant of Uncertain Significance. Advanced modeling of protein sequence and biophysical properties (such as structural, functional, and spatial information, amino acid conservation, physicochemical variation, residue mobility, and thermodynamic stability) performed at Invitae indicates that this missense variant is not expected to disrupt MTPAP protein function. This sequence change replaces isoleucine, which is neutral and non-polar, with valine, which is neutral and non-polar, at codon 458 of the MTPAP protein (p.Ile458Val). This variant is present in population databases (no rsID available, gnomAD 0.006%). This variant has not been reported in the literature in individuals affected with MTPAP-related conditions. ClinVar contains an entry for this variant (Variation ID: 1942947).

NM_018109.4(MTPAP):c.1372A>G (p.Ile458Val)

Gene: MTPAP (mitochondrial poly(A) polymerase; minus strand). Cytogenetic location: 10p11.23.
Variant type: single nucleotide variant.
Coding change: c.1372A>G on transcript NM_018109.4 (MANE Select); coding-DNA position 1372, A replaced by G.
Protein change: p.Ile458Val; replaces isoleucine 458 with valine.
Molecular consequence: missense variant.
Genome position (GRCh38, 1-based): chr10:30,315,977, T>C on the plus strand (A>G on the coding strand, the complement: MTPAP is on the minus strand). VCF-style: chr10-30315977-T-C. GRCh37 (hg19) VCF-style: chr10-30604906-T-C.
Other names: short protein forms I458V.
Identifiers: ClinVar variation 1942947 (VCV001942947.5), dbSNP rs1354312246, ClinGen allele CA376434931.